The following is an entry in ClinVar:

ClinVar aggregate classification (germline): Conflicting classifications of pathogenicity. Review status: criteria provided, conflicting classifications (1 of 4 stars). 4 submissions from 4 submitters: Likely pathogenic (1); Uncertain significance (1). 2 of the submissions do not count toward it. Last evaluated 2025-01-08.

Conditions:
DAAM2-related disorder. Also called: DAAM2-related condition.
Nephrotic syndrome, type 24. Identifiers: Orphanet 567548, MedGen C5543267, MONDO:0031008, OMIM 619263.
Idiopathic multidrug-resistant nephrotic syndrome. Identifiers: Orphanet 567550, MedGen C5681293, MONDO:0035459.

Allele frequency attached by ClinVar (database versions not stated): 1000 Genomes Project 30x 0.00031; 1000 Genomes Project 0.00040; ExAC 0.00133; gnomAD exomes 0.00154 and 0.00161; ESP Exome Variant Server 0.00182; gnomAD 0.00188.
gnomAD v4.1: 2,601 of 1,613,670 alleles (0.16%); highest among the groups gnomAD compares: Middle Eastern, 1%; 4 homozygotes.

Submissions (4):

First Genomix Gene Laboratory, Genetic Diagnostics Department
Classification: Likely pathogenic for Nephrotic syndrome, type 24. Last evaluated: 2025-01-08. Review status: criteria provided, single submitter. Criteria: ACMG Guidelines, 2015. Collection method: clinical testing. Allele origin: germline. Inheritance: Autosomal recessive inheritance. Affected: no. Observed: 1 variant allele.

Department of Pathology and Laboratory Medicine, Sinai Health System
Classification: Uncertain significance for idiopathic multidrug-resistant nephrotic syndrome. Last evaluated: 2023-04-04. Review status: criteria provided, single submitter. Criteria: ACMG Guidelines, 2015. Collection method: research. Allele origin: germline.

OMIM
Classification: Pathogenic for NEPHROTIC SYNDROME, TYPE 24. Last evaluated: 2021-04-08. Review status: no assertion criteria provided. Collection method: literature only. Allele origin: germline. Not counted in ClinVar's aggregate classification.

PreventionGenetics, part of Exact Sciences
Classification: Likely benign for DAAM2-related condition. Last evaluated: 2019-05-02. Review status: no assertion criteria provided. Collection method: clinical testing. Allele origin: germline. Not counted in ClinVar's aggregate classification.
Comment: This variant is classified as likely benign based on ACMG/AMP sequence variant interpretation guidelines (Richards et al. 2015 PMID: 25741868, with internal and published modifications).

Literature cited by the submitters: PubMed 33232676 (cited by OMIM).

NM_001201427.2(DAAM2):c.1745C>A (p.Pro582His)

Gene: DAAM2 (dishevelled associated activator of morphogenesis 2; plus strand). Cytogenetic location: 6p21.2.
Variant type: single nucleotide variant.
Coding change: c.1745C>A on transcript NM_001201427.2 (MANE Select); coding-DNA position 1745, C replaced by A.
Protein change: p.Pro582His; replaces proline 582 with histidine.
Molecular consequence: missense variant.
Genome position (GRCh38, 1-based): chr6:39,879,377, C>A. VCF-style: chr6-39879377-C-A. GRCh37 (hg19) VCF-style: chr6-39847153-C-A.
Other names: c.1745C>A, p.Pro582His (NM_015345.4); c.1745C>A (NM_001201427.1); short protein forms P582H.
Identifiers: ClinVar variation 1054668 (VCV001054668.5), dbSNP rs150676991, ClinGen allele CA3795038.